The following is an entry in ClinVar:

NM_005245.4(FAT1):c.4711G>A (p.Val1571Ile)

Gene: FAT1 (FAT atypical cadherin 1; minus strand). Cytogenetic location: 4q35.2.
Variant type: single nucleotide variant.
Coding change: c.4711G>A on transcript NM_005245.4 (MANE Select); coding-DNA position 4711, G replaced by A.
Protein change: p.Val1571Ile; replaces valine 1571 with isoleucine.
Molecular consequence: missense variant.
Genome position (GRCh38, 1-based): chr4:186,628,253, C>T on the plus strand (G>A on the coding strand, the complement: FAT1 is on the minus strand). VCF-style: chr4-186628253-C-T. GRCh37 (hg19) VCF-style: chr4-187549407-C-T.
Other names: short protein forms V1571I.
Identifiers: ClinVar variation 3348194 (VCV003348194.1).
Genomic context (GRCh38, chr4:186,628,253, plus strand): 5'-TGTCCTTGTCCAGAGCCGTCACCTGCAACACAACTGAGCCAACGGCTGCCGATTCATAAA[C>T]CCGCCCTTTGTAGGAGGAAGCGGTGAACCACGGGGCGTGGTCATTCGTGTCGCTGACATT-3'
Protein context (NP_005236.2, residues 1561-1581): WFTASSYKGR[Val1571Ile]YESAAVGSVV

ClinVar aggregate classification (germline): Uncertain significance (0 of 4 stars; one submission).

Conditions:
FAT1-related disorder. Also called: FAT1-related condition.

gnomAD v4.1: 4 of 1,613,942 alleles (0.00025%); highest among the groups gnomAD compares: South Asian, 0.0011%; no homozygotes.

Submission:

PreventionGenetics, part of Exact Sciences
Classification: Uncertain significance for FAT1-related condition. Last evaluated: 2024-03-28. Review status: no assertion criteria provided. Collection method: clinical testing. Allele origin: germline.
Comment: The FAT1 c.4711G>A variant is predicted to result in the amino acid substitution p.Val1571Ile. To our knowledge, this variant has not been reported in the literature. This variant is reported in 0.0046% of alleles in individuals of European (Finnish) descent in gnomAD. At this time, the clinical significance of this variant is uncertain due to the absence of conclusive functional and genetic evidence.